The following is an entry in ClinVar:

ClinVar aggregate classification (germline): Benign (1 of 4 stars; one submission).

Conditions:
Multiple endocrine neoplasia type 2A. Also called: Multiple Endocrine Neoplasia Type 2A (MEN2A); MULTIPLE ENDOCRINE NEOPLASIA, TYPE IIA; PTC SYNDROME; SIPPLE SYNDROME; MEN 2A; MEN-2A syndrome. Identifiers: Orphanet 247698, Orphanet 653, MedGen C0025268, MeSH D018813, MONDO:0008234, OMIM 171400.

Submission:

Myriad Genetics, Inc.
Classification: Benign for Multiple endocrine neoplasia type 2A. Last evaluated: 2025-02-25. Review status: criteria provided, single submitter. Criteria: Myriad Autosomal Dominant, Autosomal Recessive and X-Linked Classification Criteria (2023). Collection method: clinical testing. Allele origin: unknown.
Comment: This variant is considered benign. This variant is a silent/synonymous amino acid change and it is not expected to impact splicing.

NM_020975.6(RET):c.1050C>G (p.Thr350=)

Gene: RET (ret proto-oncogene; plus strand). Cytogenetic location: 10q11.21.
Variant type: single nucleotide variant.
Coding change: c.1050C>G on transcript NM_020975.6 (MANE Select); coding-DNA position 1050, C replaced by G.
Protein change: p.Thr350=; no amino-acid change (threonine 350 retained).
Molecular consequence: synonymous variant. On other transcripts: intron variant (25).
Genome position (GRCh38, 1-based): chr10:43,106,558, C>G. VCF-style: chr10-43106558-C-G. GRCh37 (hg19) VCF-style: chr10-43602006-C-G.
Other names: c.288C>G, p.Thr96= (NM_001355216.2); c.1050C>G, p.Thr350= (NM_001406743.1, NM_001406744.1, NM_001406759.1 and 4 more transcripts); c.921C>G, p.Thr307= (NM_001406761.1, NM_001406762.1, NM_001406764.1 and 1 more transcripts); c.762C>G, p.Thr254= (NM_001406766.1, NM_001406767.1, NM_001406770.1); c.867+1365C>G (NM_001406772.1, NM_001406769.1); c.626-2473C>G (NM_001406773.1, NM_001406771.1); c.625+3929C>G (NM_001406782.1, NM_001406780.1, NM_001406779.1 and 3 more transcripts); c.738+1365C>G (NM_001406774.1); and 5 more.
Identifiers: ClinVar variation 3904641 (VCV003904641.1).